The following is an entry in ClinVar:

NM_182916.3(TRNT1):c.231T>C (p.Asp77=)

Gene: TRNT1 (tRNA nucleotidyl transferase 1; plus strand). Cytogenetic location: 3p26.2.
Variant type: single nucleotide variant.
Coding change: c.231T>C on transcript NM_182916.3 (MANE Select); coding-DNA position 231, T replaced by C.
Protein change: p.Asp77=; no amino-acid change (aspartic acid 77 retained).
Molecular consequence: synonymous variant. On other transcripts: non-coding transcript variant (8).
Genome position (GRCh38, 1-based): chr3:3,137,342, T>C. VCF-style: chr3-3137342-T-C. GRCh37 (hg19) VCF-style: chr3-3179026-T-C.
Other names: p.Asp77=; c.231T>C, p.Asp77= (LRG_1314t1, NM_001302946.2, NM_001367321.1 and 2 more transcripts).
Identifiers: ClinVar variation 381865 (VCV000381865.21), dbSNP rs114362638, ClinGen allele CA2228582.

ClinVar aggregate classification (germline): Benign/Likely benign. Review status: criteria provided, multiple submitters, no conflicts (2 of 4 stars). 5 submissions from 5 submitters: Benign (1); Likely benign (4). Last evaluated 2026-07-01.

Conditions:
Congenital sideroblastic anemia-B-cell immunodeficiency-periodic fever-developmental delay syndrome. Also called: Sideroblastic anemia with B-cell immunodeficiency, periodic fevers, and developmental delay. Identifiers: Orphanet 369861, MedGen C4015172, MONDO:0014487, OMIM 616084.

Allele frequency attached by ClinVar (database versions not stated): ExAC 0.00090; 1000 Genomes Project 30x 0.00234; 1000 Genomes Project 0.00280; gnomAD 0.00302 and 0.00321; TOPMed 0.00345; ESP Exome Variant Server 0.00354; gnomAD exomes 0.00028 and 0.00066.
gnomAD v4.1: 887 of 1,613,938 alleles (0.055%); highest among the groups gnomAD compares: African/African-American, 1.1%; 4 homozygotes.

Submissions (5):

CeGaT Center for Human Genetics Tuebingen
Classification: Likely benign. Last evaluated: 2026-07-01. Review status: criteria provided, single submitter. Criteria: CeGaT Center For Human Genetics Tuebingen Variant Classification Criteria Version 2. Collection method: clinical testing. Allele origin: germline. Affected: yes. Observed: 3 variant alleles.
Comment: TRNT1: BP4, BP7, BS1

Labcorp Genetics (formerly Invitae), Labcorp
Classification: Benign for Congenital sideroblastic anemia-B-cell immunodeficiency-periodic fever-developmental delay syndrome. Last evaluated: 2026-01-18. Review status: criteria provided, single submitter. Criteria: Invitae Variant Classification Sherloc (09022015). Collection method: clinical testing. Allele origin: germline.

Mayo Clinic Laboratories, Mayo Clinic
Classification: Likely benign. Last evaluated: 2025-08-15. Review status: criteria provided, single submitter. Criteria: ACMG Guidelines, 2015. Collection method: clinical testing. Allele origin: germline. Observed: 2 variant alleles.
Comment: BA1, BP4, BP7

Blueprint Genetics
Classification: Likely benign. Last evaluated: 2024-10-15. Review status: criteria provided, single submitter. Criteria: ACMG Guidelines, 2015. Collection method: clinical testing. Allele origin: germline.

GeneDx
Classification: Likely benign. Last evaluated: 2017-09-21. Review status: criteria provided, single submitter. Criteria: GeneDx Variant Classification (06012015). Collection method: clinical testing. Allele origin: germline. Affected: yes.
Comment: This variant is considered likely benign or benign based on one or more of the following criteria: it is a conservative change, it occurs at a poorly conserved position in the protein, it is predicted to be benign by multiple in silico algorithms, and/or has population frequency not consistent with disease.